The following is an entry in ClinVar:

NM_000202.8(IDS):c.998C>A (p.Ser333Ter)

Genes: IDS (iduronate 2-sulfatase; minus strand), LOC106050102 (IDS recombination region; plus strand). Cytogenetic location: Xq28.
Variant type: single nucleotide variant.
Coding change: c.998C>A on transcript NM_000202.8 (MANE Select); coding-DNA position 998, C replaced by A.
Protein change: p.Ser333Ter; replaces serine 333 with a stop codon.
Molecular consequence: nonsense. On other transcripts: non-coding transcript variant (1).
Genome position (GRCh38, 1-based): chrX:149,490,322, G>T on the plus strand (C>A on the coding strand, the complement: IDS is on the minus strand). VCF-style: chrX-149490322-G-T. GRCh37 (hg19) VCF-style: chrX-148571853-G-T.
Other names: c.728C>A, p.Ser243Ter (NM_001166550.4); c.998C>A, p.Ser333Ter (NM_006123.5); short protein forms S243*, S333*.
Identifiers: ClinVar variation 988688 (VCV000988688.3), dbSNP rs104894853, ClinGen allele CA414519857.

ClinVar aggregate classification (germline): Pathogenic. Review status: criteria provided, single submitter (1 of 4 stars). 2 submissions from 2 submitters: Pathogenic (1). 1 of the submissions does not count toward it. Last evaluated 2024-06-07.

Conditions:
Mucopolysaccharidosis, MPS-II (MPS2). Also called: IDS deficiency; Sulfoiduronate sulfatase deficiency; SIDS deficiency; Mucopolysaccharidosis type 2; Mucopolysaccharidosis Type II; Attenuated MPS (subtype; formerly known as mild MPS II). Identifiers: Orphanet 580, Orphanet 79388, MedGen C0026705, MONDO:0010674, OMIM 309900.

Submissions (2):

Laboratory of Diagnosis and Therapy of Lysosomal Disorders, University of Padova
Classification: Pathogenic for Mucopolysaccharidosis, MPS-II. Last evaluated: 2024-06-07. Review status: criteria provided, single submitter. Criteria: ACMG Guidelines, 2015. Collection method: literature only. Allele origin: germline. Affected: yes. Observed: 2 variant alleles.
Comment: Null variant (PVS1_VeryStrong), Absent from controls (or at low frequency) in gnomAD database (PM2_Moderate), Patient’s phenotype or family history highly specific for the disease (PP4_Strong)

Classification method: ACMG Guidelines [PMID:25741868] with modifications

Laboratory of Inherited Metabolic Diseases, Research centre for medical genetics
Classification: Pathogenic for Mucopolysaccharidosis, type II; MPS2. Review status: no assertion criteria provided. Collection method: research. Allele origin: germline. Affected: yes. Not counted in ClinVar's aggregate classification.

Literature cited by the submitters: PubMed 33676511 (cited by Laboratory of Diagnosis and Therapy of Lysosomal Disorders, University of Padova).